The following is an entry in ClinVar:

NM_001267550.2(TTN):c.11311+1080del

Gene: TTN (titin; minus strand). Cytogenetic location: 2q31.2.
Variant type: Deletion.
Coding change: c.11311+1080del on transcript NM_001267550.2 (MANE Select); 1080 bases into the intron after coding-DNA position 11311, one base deleted (T; older notation c.11311+1080delT).
Molecular consequence: intron variant.
Genome position (GRCh38, 1-based): chr2:178,752,044, A deleted on the plus strand (T on the coding strand, the reverse complement: TTN is on the minus strand); the first of 15 consecutive A bases (chr2:178,752,044-178,752,058); deleting any one gives the same sequence. VCF-style (leftmost placement, unchanged base first): chr2-178752043-GA-G. GRCh37 (hg19) VCF-style: chr2-179616770-GA-G.
Other names: c.10222+1080del (NM_003319.4); c.10798+1080del (NM_133437.4); c.10597+1080del (NM_133432.3); c.10360+1080del (NM_133378.4, NM_001256850.1); c.10361-5del (NM_133379.5); c.10361-5delT (NM_133379.4).
Identifiers: ClinVar variation 47724 (VCV000047724.17), dbSNP rs58651353, ClinGen allele CA141784.

ClinVar aggregate classification (germline): Benign/Likely benign. Review status: criteria provided, multiple submitters, no conflicts (2 of 4 stars). 10 submissions from 9 submitters: Benign (2); Likely benign (3). 5 of the submissions do not count toward it. Last evaluated 2025-04-09.

Conditions:
Dilated cardiomyopathy 1G (CMD1G). Identifiers: Orphanet 154, MedGen C1858763, MONDO:0011400, OMIM 604145.
Hypertrophic cardiomyopathy 9. Also called: Familial hypertrophic cardiomyopathy 9. Identifiers: MedGen C1861065, MONDO:0013412, OMIM 613765.

Submissions (10):

Molecular Diagnostic Laboratory for Inherited Cardiovascular Disease, Montreal Heart Institute
Classification: Likely benign. Last evaluated: 2025-04-09. Review status: criteria provided, single submitter. Criteria: ACMG Guidelines, 2015. Collection method: clinical testing. Allele origin: germline. Affected: no.

Laboratory of Genetics, Children's Clinical University Hospital Latvia
Classification: Likely benign. Last evaluated: 2025-02-16. Review status: criteria provided, single submitter. Criteria: ACMG Guidelines, 2015. Collection method: clinical testing. Allele origin: germline. Affected: yes.

Blueprint Genetics
Classification: Benign. Last evaluated: 2024-11-26. Review status: criteria provided, single submitter. Criteria: ACMG Guidelines, 2015. Collection method: clinical testing. Allele origin: germline.

GeneDx
Classification: Benign. Last evaluated: 2019-08-10. Review status: criteria provided, single submitter. Criteria: GeneDx Variant Classification Process June 2021. Collection method: clinical testing. Allele origin: germline. Affected: yes.

Laboratory for Molecular Medicine, Mass General Brigham Personalized Medicine
Classification: Likely benign. Last evaluated: 2013-04-20. Review status: criteria provided, single submitter. Criteria: LMM Criteria. Collection method: clinical testing. Allele origin: germline. Observed: 3 variant alleles.
Comment: 10361-5delT in intron 45 of TTN: This variant is not expected to have clinical s ignificance because it is located outside the conserved +/- 1, 2 region of the s plicing consensus sequence and as part of a polyT stretch. This variant has bee n reported in dbSNP (rs66641728) without frequency information. 10361-5delT in intron 45 of TTN (rs66641728; allele frequency = n/a)

Knight Diagnostic Laboratories, Oregon Health and Sciences University
Classification: Uncertain significance for Dilated cardiomyopathy 1G. Last evaluated: 2015-09-26. Review status: no assertion criteria provided. Criteria: ACMG Guidelines, 2015. Collection method: clinical testing. Allele origin: germline. Affected: no. Study: CSER-NextGen. Not counted in ClinVar's aggregate classification.

Knight Diagnostic Laboratories, Oregon Health and Sciences University
Classification: Uncertain significance for Hypertrophic cardiomyopathy 9. Last evaluated: 2015-09-26. Review status: no assertion criteria provided. Criteria: ACMG Guidelines, 2015. Collection method: clinical testing. Allele origin: germline. Affected: no. Study: CSER-NextGen. Not counted in ClinVar's aggregate classification.

Diagnostic Laboratory, Department of Genetics, University Medical Center Groningen
Classification: Benign. Review status: no assertion criteria provided. Collection method: clinical testing. Allele origin: germline. Affected: yes. Study: VKGL Data-share Consensus. Not counted in ClinVar's aggregate classification.

Joint Genome Diagnostic Labs from Nijmegen and Maastricht, Radboudumc and MUMC+
Classification: Benign. Review status: no assertion criteria provided. Collection method: clinical testing. Allele origin: germline. Affected: yes. Study: VKGL Data-share Consensus. Not counted in ClinVar's aggregate classification.

Laboratory of Diagnostic Genome Analysis, Leiden University Medical Center (LUMC)
Classification: Likely benign. Review status: no assertion criteria provided. Collection method: clinical testing. Allele origin: germline. Affected: yes. Study: VKGL Data-share Consensus. Not counted in ClinVar's aggregate classification.